The following is an entry in ClinVar:

ClinVar aggregate classification (germline): Uncertain significance. Review status: criteria provided, multiple submitters, no conflicts (2 of 4 stars). 2 submissions from 2 submitters: Uncertain significance (2). Last evaluated 2025-10-14.

Allele frequency attached by ClinVar (database versions not stated): TOPMed 0.00001; ExAC 0.00002; gnomAD 0.00002; gnomAD exomes 0.00002; ESP Exome Variant Server 0.00008.
gnomAD v4.1: 39 of 1,612,894 alleles (0.0024%); highest among the groups gnomAD compares: Non-Finnish European, 0.003%; no homozygotes.

Submissions (2):

Labcorp Genetics (formerly Invitae), Labcorp
Classification: Uncertain significance. Last evaluated: 2025-10-14. Review status: criteria provided, single submitter. Criteria: Invitae Variant Classification Sherloc (09022015). Collection method: clinical testing. Allele origin: germline.
Comment: This sequence change replaces arginine, which is basic and polar, with histidine, which is basic and polar, at codon 256 of the PRPF31 protein (p.Arg256His). This variant is present in population databases (rs372827141, gnomAD 0.007%). This variant has not been reported in the literature in individuals affected with PRPF31-related conditions. ClinVar contains an entry for this variant (Variation ID: 1401019). An algorithm developed to predict the effect of missense changes on protein structure and function (PolyPhen-2) suggests that this variant is likely to be disruptive. In summary, the available evidence is currently insufficient to determine the role of this variant in disease. Therefore, it has been classified as a Variant of Uncertain Significance.

Blueprint Genetics
Classification: Uncertain significance. Last evaluated: 2022-11-04. Review status: criteria provided, single submitter. Criteria: ACMG Guidelines, 2015. Collection method: clinical testing. Allele origin: germline.

NM_015629.4(PRPF31):c.767G>A (p.Arg256His)

Gene: PRPF31 (pre-mRNA processing factor 31; plus strand). Cytogenetic location: 19q13.42.
Variant type: single nucleotide variant.
Coding change: c.767G>A on transcript NM_015629.4 (MANE Select); coding-DNA position 767, G replaced by A.
Protein change: p.Arg256His; replaces arginine 256 with histidine.
Molecular consequence: missense variant.
Genome position (GRCh38, 1-based): chr19:54,124,568, G>A. VCF-style: chr19-54124568-G-A. GRCh37 (hg19) VCF-style: chr19-54627947-G-A.
Other names: short protein forms R256H.
Identifiers: ClinVar variation 1401019 (VCV001401019.9), dbSNP rs372827141, ClinGen allele CA309326126.